The following is an entry in ClinVar:

ClinVar aggregate classification (germline): Uncertain significance (1 of 4 stars; one submission).

Submission:

Labcorp Genetics (formerly Invitae), Labcorp
Classification: Uncertain significance. Last evaluated: 2022-06-13. Review status: criteria provided, single submitter. Criteria: Invitae Variant Classification Sherloc (09022015). Collection method: clinical testing. Allele origin: germline.
Comment: This sequence change falls in intron 16 of the OTOA gene. It does not directly change the encoded amino acid sequence of the OTOA protein. It affects a nucleotide within the consensus splice site. This variant is not present in population databases (gnomAD no frequency). This variant has not been reported in the literature in individuals affected with OTOA-related conditions. Variants that disrupt the consensus splice site are a relatively common cause of aberrant splicing (PMID: 17576681, 9536098). Algorithms developed to predict the effect of sequence changes on RNA splicing suggest that this variant is not likely to affect RNA splicing. In summary, the available evidence is currently insufficient to determine the role of this variant in disease. Therefore, it has been classified as a Variant of Uncertain Significance.

Literature cited by the submitters: PubMed 17576681; PubMed 9536098.

NM_144672.4(OTOA):c.1806+4C>T

Gene: OTOA (otoancorin). Cytogenetic location: 16p12.2.
Variant type: single nucleotide variant.
Coding change: c.1806+4C>T on transcript NM_144672.4 (MANE Select); 4 bases into the intron after coding-DNA position 1806, C replaced by T.
Molecular consequence: intron variant.
Genome position (GRCh38, 1-based): chr16:21,719,508, C>T. VCF-style: chr16-21719508-C-T. GRCh37 (hg19) VCF-style: chr16-21730829-C-T.
Other names: c.1569+4C>T (NM_001161683.2); c.834+4C>T (NM_170664.3).
Identifiers: ClinVar variation 1370049 (VCV001370049.6), dbSNP rs201545393, ClinGen allele CA2573152122.